The following is an entry in ClinVar:

NM_003673.4(TCAP):c.34_48dup (p.Glu16_Arg17insGluGluAsnCysGlu)

Gene: TCAP (titin-cap; plus strand). Cytogenetic location: 17q12.
Variant type: Duplication.
Coding change: c.34_48dup on transcript NM_003673.4 (MANE Select); coding-DNA positions 34 to 48, 15 bases duplicated (GAGGAGAACTGTGAG).
Protein change: p.Glu16_Arg17insGluGluAsnCysGlu.
Molecular consequence: inframe insertion.
Genome position (GRCh38, 1-based): chr17:39,665,393-39,665,407, GAGGAGAACTGTGAG duplicated; duplicating any 15 consecutive bases within chr17:39,665,392-39,665,407 gives the same sequence; the c. name uses the placement nearest the transcript's 3' end. VCF-style (leftmost placement, unchanged base first): chr17-39665391-C-CGGAGGAGAACTGTGA. GRCh37 (hg19) VCF-style: chr17-37821644-C-CGGAGGAGAACTGTGA.
Other names: c.34_48dupGAGGAGAACTGTGAG (NM_003673.3).
Identifiers: ClinVar variation 2146004 (VCV002146004.6), dbSNP rs2543737710, ClinGen allele CA2580093655.
Genomic context (GRCh38, chr17:39,665,391, plus strand): 5'-TGGGAGGGGAGAGAGAATGAGGAGTGATCATGGCTACCTCAGAGCTGAGCTGCGAGGTGT[C>CGGAGGAGAACTGTGA]GGAGGAGAACTGTGAGCGCCGGGAGGCCTTCTGGGCAGAATGGAAGGATCTGACACTGTC-3'

ClinVar aggregate classification (germline): Uncertain significance. Review status: criteria provided, multiple submitters, no conflicts (2 of 4 stars). 2 submissions from 2 submitters: Uncertain significance (2). Last evaluated 2026-01-12.

Conditions:
Hypertrophic cardiomyopathy 25 (CMH25). Also called: CARDIOMYOPATHY, FAMILIAL HYPERTROPHIC, 25. Identifiers: MedGen C4225408, MONDO:0011843, OMIM 607487.
Primary familial hypertrophic cardiomyopathy (HCM). Identifiers: Orphanet 99739, MedGen C0949658, MeSH D024741, MONDO:0024573. Inheritance: Various modes of inheritance.
Cardiovascular phenotype. Identifiers: MedGen CN230736.

Submissions (2):

Labcorp Genetics (formerly Invitae), Labcorp
Classification: Uncertain significance for Hypertrophic cardiomyopathy 25; Primary familial hypertrophic cardiomyopathy. Last evaluated: 2026-01-12. Review status: criteria provided, single submitter. Criteria: Invitae Variant Classification Sherloc (09022015). Collection method: clinical testing. Allele origin: germline.
Comment: This variant, c.34_48dup, results in the insertion of 5 amino acid(s) of the TCAP protein (p.Glu12_Glu16dup), but otherwise preserves the integrity of the reading frame. This variant is not present in population databases (gnomAD no frequency). This variant has not been reported in the literature in individuals affected with TCAP-related conditions. ClinVar contains an entry for this variant (Variation ID: 2146004). In summary, the available evidence is currently insufficient to determine the role of this variant in disease. Therefore, it has been classified as a Variant of Uncertain Significance.

Ambry Genetics
Classification: Uncertain significance for Cardiovascular phenotype. Last evaluated: 2023-05-09. Review status: criteria provided, single submitter. Criteria: Ambry Variant Classification Scheme 2023. Collection method: clinical testing. Allele origin: germline.
Comment: The c.34_48dup15 variant (also known as p.E12_E16dup), located in coding exon 1 of the TCAP gene, results from an in-frame duplication of 15 nucleotides at nucleotide positions 34 to 48. This results in the duplication of 5 extra residues (EENCE) between codons 12 and 16. These amino acid positions range from highly conserved to poorly conserved in available vertebrate species. Since supporting evidence is limited at this time, the clinical significance of this alteration remains unclear.